The following is an entry in ClinVar:

ClinVar aggregate classification (germline): Likely pathogenic (1 of 4 stars; one submission).

Conditions:
Dilated cardiomyopathy 1G (CMD1G). Identifiers: Orphanet 154, MedGen C1858763, MONDO:0011400, OMIM 604145.
Autosomal recessive limb-girdle muscular dystrophy type 2J (LGMDR10). Also called: Limb-girdle muscular dystrophy, type 2J; MUSCULAR DYSTROPHY, LIMB-GIRDLE, AUTOSOMAL RECESSIVE 10. Identifiers: Orphanet 140922, MedGen C1837342, MONDO:0012127, OMIM 608807.

Submission:

Labcorp Genetics (formerly Invitae), Labcorp
Classification: Likely pathogenic for Dilated cardiomyopathy 1G; Autosomal recessive limb-girdle muscular dystrophy type 2J. Last evaluated: 2021-08-21. Review status: criteria provided, single submitter. Criteria: Invitae Variant Classification Sherloc (09022015). Collection method: clinical testing. Allele origin: germline.
Comment: This sequence change creates a premature translational stop signal (p.Ile27127Phefs*63) in the TTN gene. While this is not anticipated to result in nonsense mediated decay, it is expected to create a truncated TTN protein. This variant is not present in population databases (ExAC no frequency). This variant has not been reported in the literature in individuals with TTN-related conditions. This variant is located in the A band of TTN (PMID: 25589632). Truncating variants in this region are significantly overrepresented in patients affected with dilated cardiomyopathy (PMID: 25589632). Truncating variants in this region have also been reported in individuals affected with autosomal recessive centronuclear myopathy (PMID: 23975875). In summary, the currently available evidence indicates that the variant is pathogenic, but additional data are needed to prove that conclusively. Therefore, this variant has been classified as Likely Pathogenic.

Literature cited by the submitters: PubMed 25589632; PubMed 23975875.

NM_001267550.2(TTN):c.81379del (p.Ile27127fs)

Genes: TTN-AS1 (TTN antisense RNA 1; plus strand), TTN (titin; minus strand). Cytogenetic location: 2q31.2.
Variant type: Deletion.
Coding change: c.81379del on transcript NM_001267550.2 (MANE Select); coding-DNA position 81379, one base deleted (A; older notation c.81379delA).
Protein change: p.Ile27127fs; shifts the reading frame from isoleucine 27127.
Molecular consequence: frameshift variant.
Genome position (GRCh38, 1-based): chr2:178,564,753, T deleted on the plus strand (A on the coding strand, the reverse complement: TTN is on the minus strand). VCF-style (leftmost placement, unchanged base first): chr2-178564752-AT-A. GRCh37 (hg19) VCF-style: chr2-179429479-AT-A.
Other names: c.76456del, p.Ile25486fs (NM_001256850.1); c.54184del, p.Ile18062fs (NM_003319.4); c.73675del, p.Ile24559fs (NM_133378.4); c.54559del, p.Ile18187fs (NM_133432.3); c.54760del, p.Ile18254fs (NM_133437.4); short protein forms I18062fs, I18187fs, I24559fs, I25486fs, I27127fs, I18254fs.
Identifiers: ClinVar variation 1479651 (VCV001479651.8), dbSNP rs2154163264, ClinGen allele CA2573134149.